The following is an entry in ClinVar:

ClinVar aggregate classification (germline): Likely benign (1 of 4 stars; one submission).

Conditions:
Familial cancer of breast. Also called: Hereditary breast cancer; hereditary breast carcinoma; BREAST CANCER, FAMILIAL. Identifiers: Orphanet 227535, MedGen C0346153, MONDO:0016419, OMIM 114480. Disease mechanism: loss of function.

Submission:

Myriad Genetics, Inc.
Classification: Likely benign for Familial cancer of breast. Last evaluated: 2025-01-17. Review status: criteria provided, single submitter. Criteria: Myriad Autosomal Dominant, Autosomal Recessive and X-Linked Classification Criteria (2023). Collection method: clinical testing. Allele origin: unknown.
Comment: This variant is considered likely benign. This variant is intronic and is not expected to impact mRNA splicing.

NM_024675.4(PALB2):c.2749-16G>C

Gene: PALB2 (partner and localizer of BRCA2; minus strand). Cytogenetic location: 16p12.2.
Variant type: single nucleotide variant.
Coding change: c.2749-16G>C on transcript NM_024675.4 (MANE Select); 16 bases into the intron before coding-DNA position 2749, G replaced by C.
Molecular consequence: intron variant.
Genome position (GRCh38, 1-based): chr16:23,624,110, C>G on the plus strand (G>C on the coding strand, the complement: PALB2 is on the minus strand). VCF-style: chr16-23624110-C-G. GRCh37 (hg19) VCF-style: chr16-23635431-C-G.
Other names: c.1864-16G>C (NM_001407308.1, NM_001407306.1, NM_001407309.1 and 4 more transcripts); c.283-16G>C (NM_001407314.1); c.961-16G>C (NM_001407313.1, NM_001407312.1); c.2689-16G>C (NM_001407296.1); c.2677-16G>C (NM_001407297.1); c.2587-16G>C (NM_001407302.1, NM_001407298.1); c.2749-16G>C (NM_001407300.1, NM_001407299.1, NM_001407301.1); c.1702-16G>C (NM_001407307.1).
Identifiers: ClinVar variation 3904434 (VCV003904434.1).